The following is an entry in ClinVar:

NM_001365999.1(SZT2):c.2631C>T (p.Thr877=)

Gene: SZT2 (SZT2 subunit of KICSTOR complex; plus strand). Cytogenetic location: 1p34.2.
Variant type: single nucleotide variant.
Coding change: c.2631C>T on transcript NM_001365999.1 (MANE Select); coding-DNA position 2631, C replaced by T.
Protein change: p.Thr877=; no amino-acid change (threonine 877 retained).
Molecular consequence: synonymous variant.
Genome position (GRCh38, 1-based): chr1:43,425,193, C>T. VCF-style: chr1-43425193-C-T. GRCh37 (hg19) VCF-style: chr1-43890864-C-T.
Other names: c.2631C>T, p.Thr877= (NM_015284.4).
Identifiers: ClinVar variation 241031 (VCV000241031.50), dbSNP rs140831372, ClinGen allele CA808759.

ClinVar aggregate classification (germline): Benign/Likely benign. Review status: criteria provided, multiple submitters, no conflicts (2 of 4 stars). 9 submissions from 9 submitters: Benign (5); Likely benign (4). Last evaluated 2026-09-01.

Conditions:
Inborn genetic diseases. Identifiers: MedGen C0950123, MeSH D030342.
Developmental and epileptic encephalopathy, 18 (DEE18). Also called: Early infantile epileptic encephalopathy 18. Identifiers: Orphanet 369894, MedGen C3809624, MONDO:0014201, OMIM 615476.

Allele frequency attached by ClinVar (database versions not stated): 1000 Genomes Project 0.00419; 1000 Genomes Project 30x 0.00437; ESP Exome Variant Server 0.00500; TOPMed 0.00690; ExAC 0.00696; gnomAD 0.00717; gnomAD exomes 0.00754 and 0.00915.
gnomAD v4.1: 14,490 of 1,614,192 alleles (0.9%); highest among the groups gnomAD compares: Admixed American, 1.4%; 88 homozygotes.

Submissions (9):

CeGaT Center for Human Genetics Tuebingen
Classification: Benign. Last evaluated: 2026-09-01. Review status: criteria provided, single submitter. Criteria: CeGaT Center For Human Genetics Tuebingen Variant Classification Criteria Version 2. Collection method: clinical testing. Allele origin: germline. Affected: yes. Observed: 48 variant alleles.
Comment: SZT2: BP4, BP7, BS1, BS2

Labcorp Genetics (formerly Invitae), Labcorp
Classification: Benign. Last evaluated: 2026-02-03. Review status: criteria provided, single submitter. Criteria: Invitae Variant Classification Sherloc (09022015). Collection method: clinical testing. Allele origin: germline.

Genome-Nilou Lab
Classification: Benign for Developmental and epileptic encephalopathy, 18. Last evaluated: 2023-04-11. Review status: criteria provided, single submitter. Criteria: ACMG Guidelines, 2015. Collection method: clinical testing. Allele origin: germline. Affected: no.

Fulgent Genetics
Classification: Likely benign for Developmental and epileptic encephalopathy, 18. Last evaluated: 2021-10-16. Review status: criteria provided, single submitter. Criteria: ACMG Guidelines, 2015. Collection method: clinical testing. Allele origin: unknown.

GeneDx
Classification: Benign. Last evaluated: 2019-08-14. Review status: criteria provided, single submitter. Criteria: GeneDx Variant Classification Process June 2021. Collection method: clinical testing. Allele origin: germline. Affected: yes.

Athena Diagnostics
Classification: Benign. Last evaluated: 2018-08-15. Review status: criteria provided, single submitter. Criteria: Athena Diagnostics Criteria. Collection method: clinical testing. Allele origin: germline.

Ambry Genetics
Classification: Likely benign for Inborn genetic diseases. Last evaluated: 2016-02-24. Review status: criteria provided, single submitter. Criteria: Ambry Variant Classification Scheme 2023. Collection method: clinical testing. Allele origin: germline.

Breakthrough Genomics
Classification: Likely benign. Review status: criteria provided, single submitter. Criteria: ACMG Guidelines, 2015. Collection method: not provided. Allele origin: germline. Inheritance: Autosomal recessive inheritance. Affected: yes.

PreventionGenetics, part of Exact Sciences
Classification: Likely benign. Review status: criteria provided, single submitter. Criteria: ACMG Guidelines, 2015. Collection method: clinical testing. Allele origin: germline.